The following is an entry in ClinVar:

ClinVar aggregate classification (germline): Uncertain significance (1 of 4 stars; one submission).

Submission:

Labcorp Genetics (formerly Invitae), Labcorp
Classification: Uncertain significance. Last evaluated: 2022-07-29. Review status: criteria provided, single submitter. Criteria: Invitae Variant Classification Sherloc (09022015). Collection method: clinical testing. Allele origin: germline.
Comment: This variant, c.1098_1103dup, results in the insertion of 2 amino acid(s) of the CNGB1 protein (p.Glu370_Glu371dup), but otherwise preserves the integrity of the reading frame. The frequency data for this variant in the population databases is considered unreliable, as metrics indicate poor data quality at this position in the gnomAD database. This variant has not been reported in the literature in individuals affected with CNGB1-related conditions. In summary, the available evidence is currently insufficient to determine the role of this variant in disease. Therefore, it has been classified as a Variant of Uncertain Significance.

NM_001297.5(CNGB1):c.1089GGA[7] (p.Glu371_Val372insGluGlu)

Gene: CNGB1 (cyclic nucleotide gated channel subunit beta 1; minus strand). Cytogenetic location: 16q21.
Variant type: Microsatellite.
Coding change: c.1089GGA[7] on transcript NM_001297.5 (MANE Select); seven copies in a row of the 3-base unit GGA starting at c.1089; the reference has five copies in a row; two copies, 6 bases duplicated.
Protein change: p.Glu371_Val372insGluGlu.
Molecular consequence: inframe insertion.
Genome position (GRCh38, 1-based): chr16:57,949,371-57,949,376, TCCTCC duplicated on the plus strand (GGAGGA on the coding strand, the reverse complement: CNGB1 is on the minus strand); duplicating any 6 consecutive bases within chr16:57,949,371-57,949,387 gives the same sequence; the position shown is the placement nearest the transcript's 3' end. VCF-style (leftmost placement, unchanged base first): chr16-57949370-T-TTCCTCC. GRCh37 (hg19) VCF-style: chr16-57983274-T-TTCCTCC.
Other names: c.1071GGA[7], p.Glu365_Val366insGluGlu (NM_001286130.2).
Identifiers: ClinVar variation 1905744 (VCV001905744.2), dbSNP rs141566950, ClinGen allele CA8083562.